The following is an entry in ClinVar:

NM_001939.3(DRP2):c.718A>G (p.Met240Val)

Gene: DRP2 (dystrophin related protein 2; plus strand). Cytogenetic location: Xq22.1.
Variant type: single nucleotide variant.
Coding change: c.718A>G on transcript NM_001939.3 (MANE Select); coding-DNA position 718, A replaced by G.
Protein change: p.Met240Val; replaces methionine 240 with valine.
Molecular consequence: missense variant.
Genome position (GRCh38, 1-based): chrX:101,241,826, A>G. VCF-style: chrX-101241826-A-G. GRCh37 (hg19) VCF-style: chrX-100496815-A-G.
Other names: c.484A>G, p.Met162Val (NM_001171184.2); short protein forms M240V, M162V.
Identifiers: ClinVar variation 2781479 (VCV002781479.3), dbSNP rs1922740967, ClinGen allele CA413917374.
Genomic context (GRCh38, chrX:101,241,826, plus strand): 5'-GTGGACCAGCACCGTCACATTGAGCGGACTCTGGAGCAGCTCTTGGAGATTCAAGGGGCA[A>G]TGGAGGAACTAAGCACTACTCTGAGCCAAGCTGAGGGAGTCCGAGCCACTTGGGAGCCCA-3'
Protein context (NP_001930.2, residues 230-250): LEQLLEIQGA[Met240Val]EELSTTLSQA

ClinVar aggregate classification (germline): Uncertain significance (1 of 4 stars; one submission).

Allele frequency attached by ClinVar (database versions not stated): gnomAD exomes 0.00001.
gnomAD v4.1: 6 of 1,207,885 alleles (0.0005%); highest among the groups gnomAD compares: East Asian, 0.0089%; no homozygotes.

Submission:

Labcorp Genetics (formerly Invitae), Labcorp
Classification: Uncertain significance. Last evaluated: 2022-12-11. Review status: criteria provided, single submitter. Criteria: Invitae Variant Classification Sherloc (09022015). Collection method: clinical testing. Allele origin: germline.
Comment: Advanced modeling of protein sequence and biophysical properties (such as structural, functional, and spatial information, amino acid conservation, physicochemical variation, residue mobility, and thermodynamic stability) performed at Invitae indicates that this missense variant is not expected to disrupt DRP2 protein function. In summary, the available evidence is currently insufficient to determine the role of this variant in disease. Therefore, it has been classified as a Variant of Uncertain Significance. This variant has not been reported in the literature in individuals affected with DRP2-related conditions. This variant is not present in population databases (gnomAD no frequency). This sequence change replaces methionine, which is neutral and non-polar, with valine, which is neutral and non-polar, at codon 240 of the DRP2 protein (p.Met240Val).